The following is an entry in ClinVar:

NM_001370259.2(MEN1):c.1438C>T (p.Arg480Trp)

Gene: MEN1 (menin 1; minus strand). Cytogenetic location: 11q13.1.
Variant type: single nucleotide variant.
Coding change: c.1438C>T on transcript NM_001370259.2 (MANE Select); coding-DNA position 1438, C replaced by T.
Protein change: p.Arg480Trp; replaces arginine 480 with tryptophan.
Molecular consequence: missense variant.
Genome position (GRCh38, 1-based): chr11:64,804,729, G>A on the plus strand (C>T on the coding strand, the complement: MEN1 is on the minus strand). VCF-style: chr11-64804729-G-A. GRCh37 (hg19) VCF-style: chr11-64572201-G-A.
Other names: c.1438C>T, p.Arg480Trp (NM_001370260.2, NM_001370261.2, NM_130799.3); c.1333C>T, p.Arg445Trp (NM_001370262.2, NM_001370263.2); c.1453C>T, p.Arg485Trp (NM_130800.3, NM_130801.3, NM_130802.3 and 3 more transcripts); c.1564C>T, p.Arg522Trp (NM_001370251.2); c.1438C>T (NM_130799.2); short protein forms R445W, R480W, R485W, R522W.
Identifiers: ClinVar variation 1054154 (VCV001054154.11), dbSNP rs1301120298, ClinGen allele CA381179327.

ClinVar aggregate classification (germline): Uncertain significance. Review status: criteria provided, multiple submitters, no conflicts (2 of 4 stars). 3 submissions from 3 submitters: Uncertain significance (3). Last evaluated 2026-03-26.

Conditions:
Hereditary cancer-predisposing syndrome. Also called: Hereditary Cancer Syndrome; Hereditary neoplastic syndrome; Neoplastic Syndromes, Hereditary; Tumor predisposition. Identifiers: Orphanet 140162, MedGen C0027672, MeSH D009386, MONDO:0015356.
Multiple endocrine neoplasia, type 1 (MEN1). Also called: MEN I; WERMER SYNDROME; Endocrine adenomatosis multiple; MEN 1; MEA I. Identifiers: Orphanet 652, MedGen C0025267, MeSH D018761, MONDO:0007540, OMIM 131100.

Allele frequency attached by ClinVar (database versions not stated): gnomAD exomes below 0.00001.
gnomAD v4.1: 1 of 1,596,912 alleles (0.000063%); highest among the groups gnomAD compares: Non-Finnish European, 0.000085%; no homozygotes.

Submissions (3):

GeneDx
Classification: Uncertain significance. Last evaluated: 2026-03-26. Review status: criteria provided, single submitter. Criteria: GeneDx Variant Classification Process June 2021. Collection method: clinical testing. Allele origin: germline.
Comment: Not observed at significant frequency in large population cohorts (gnomAD); In silico analysis supports that this missense variant has a deleterious effect on protein structure/function; Has not been previously published as pathogenic or benign to our knowledge; This variant is associated with the following publications: (PMID: 9465067)

Ambry Genetics
Classification: Uncertain significance for Hereditary cancer-predisposing syndrome. Last evaluated: 2026-03-25. Review status: criteria provided, single submitter. Criteria: Ambry Variant Classification Scheme 2023. Collection method: clinical testing. Allele origin: germline.
Comment: The p.R480W variant (also known as c.1438C>T), located in coding exon 9 of the MEN1 gene, results from a C to T substitution at nucleotide position 1438. The arginine at codon 480 is replaced by tryptophan, an amino acid with dissimilar properties. This amino acid position is highly conserved in available vertebrate species. In addition, the in silico prediction for this alteration is inconclusive. Based on the available evidence, the clinical significance of this variant remains unclear.

Labcorp Genetics (formerly Invitae), Labcorp
Classification: Uncertain significance for Multiple endocrine neoplasia, type 1. Last evaluated: 2025-11-17. Review status: criteria provided, single submitter. Criteria: Invitae Variant Classification Sherloc (09022015). Collection method: clinical testing. Allele origin: germline.
Comment: This sequence change replaces arginine, which is basic and polar, with tryptophan, which is neutral and slightly polar, at codon 480 of the MEN1 protein (p.Arg480Trp). This variant is not present in population databases (gnomAD no frequency). This variant has not been reported in the literature in individuals affected with MEN1-related conditions. ClinVar contains an entry for this variant (Variation ID: 1054154). Invitae Evidence Modeling of protein sequence and biophysical properties (such as structural, functional, and spatial information, amino acid conservation, physicochemical variation, residue mobility, and thermodynamic stability) indicates that this missense variant is expected to disrupt MEN1 protein function with a positive predictive value of 95%. In summary, the available evidence is currently insufficient to determine the role of this variant in disease. Therefore, it has been classified as a Variant of Uncertain Significance.